The following is an entry in ClinVar:

NM_000521.4(HEXB):c.1478_1479del (p.Val493fs)

Gene: HEXB (hexosaminidase subunit beta; plus strand). Cytogenetic location: 5q13.3.
Variant type: Microsatellite.
Coding change: c.1478_1479del on transcript NM_000521.4 (MANE Select); coding-DNA positions 1478 to 1479, 2 bases deleted (TG; older notation c.1478_1479delTG).
Protein change: p.Val493fs; shifts the reading frame from valine 493.
Molecular consequence: frameshift variant.
Genome position (GRCh38, 1-based): chr5:74,720,488-74,720,489, TG deleted; deleting any 2 consecutive bases within chr5:74,720,486-74,720,489 gives the same sequence; the c. name uses the placement nearest the transcript's 3' end. VCF-style (leftmost placement, unchanged base first): chr5-74720485-ATG-A. GRCh37 (hg19) VCF-style: chr5-74016310-ATG-A.
Other names: c.803_804del, p.Val268fs (NM_001292004.2); short protein forms V268fs, V493fs.
Identifiers: ClinVar variation 2691861 (VCV002691861.2), dbSNP rs2478772082, ClinGen allele CA2674241204.

ClinVar aggregate classification (germline): Pathogenic (1 of 4 stars; one submission).

Conditions:
Sandhoff disease. Also called: Beta-hexosaminidase-beta-subunit deficiency; GM2 gangliosidosis, type 2; Total hexosaminidase deficiency; Sandhoff-Jatzkewitz-Pilz disease; GM2-GANGLIOSIDOSIS, TYPE II; HEXOSAMINIDASES A AND B DEFICIENCY. Identifiers: Orphanet 796, MedGen C0036161, MONDO:0010006, OMIM 268800.

Submission:

Institute of Human Genetics, University of Leipzig Medical Center
Classification: Pathogenic for Sandhoff disease. Last evaluated: 2024-01-03. Review status: criteria provided, single submitter. Criteria: ACMG Guidelines, 2015. Collection method: clinical testing. Allele origin: maternal. Inheritance: Autosomal recessive inheritance. Affected: yes.
Comment: Criteria applied: PVS1,PM3,PM2_SUP,PP4